The following is an entry in ClinVar:

NM_002227.4(JAK1):c.1220C>T (p.Ser407Phe)

Gene: JAK1 (Janus kinase 1; minus strand). Cytogenetic location: 1p31.3.
Variant type: single nucleotide variant.
Coding change: c.1220C>T on transcript NM_002227.4 (MANE Select); coding-DNA position 1220, C replaced by T.
Protein change: p.Ser407Phe; replaces serine 407 with phenylalanine.
Molecular consequence: missense variant.
Genome position (GRCh38, 1-based): chr1:64,860,219, G>A on the plus strand (C>T on the coding strand, the complement: JAK1 is on the minus strand). VCF-style: chr1-64860219-G-A. GRCh37 (hg19) VCF-style: chr1-65325902-G-A.
Other names: c.1220C>T, p.Ser407Phe (NM_001320923.2, NM_001321852.2, NM_001321853.2 and 4 more transcripts); short protein forms S407F.
Identifiers: ClinVar variation 1500778 (VCV001500778.8), dbSNP rs549682132, ClinGen allele CA892994.

ClinVar aggregate classification (germline): Uncertain significance (1 of 4 stars; one submission).

Allele frequency attached by ClinVar (database versions not stated): gnomAD exomes 0.00001; ExAC 0.00001.
gnomAD v4.1: 18 of 1,611,280 alleles (0.0011%); highest among the groups gnomAD compares: African/African-American, 0.0067%; no homozygotes.

Submission:

Labcorp Genetics (formerly Invitae), Labcorp
Classification: Uncertain significance. Last evaluated: 2025-12-21. Review status: criteria provided, single submitter. Criteria: Invitae Variant Classification Sherloc (09022015). Collection method: clinical testing. Allele origin: germline.
Comment: This sequence change replaces serine, which is neutral and polar, with phenylalanine, which is neutral and non-polar, at codon 407 of the JAK1 protein (p.Ser407Phe). This variant is present in population databases (rs549682132, gnomAD 0.007%). This variant has not been reported in the literature in individuals affected with JAK1-related conditions. ClinVar contains an entry for this variant (Variation ID: 1500778). Invitae Evidence Modeling of protein sequence and biophysical properties (such as structural, functional, and spatial information, amino acid conservation, physicochemical variation, residue mobility, and thermodynamic stability) indicates that this missense variant is not expected to disrupt JAK1 protein function with a negative predictive value of 80%. In summary, the available evidence is currently insufficient to determine the role of this variant in disease. Therefore, it has been classified as a Variant of Uncertain Significance.